The following is an entry in ClinVar:

ClinVar aggregate classification (germline): Benign/Likely benign. Review status: criteria provided, multiple submitters, no conflicts (2 of 4 stars). 5 submissions from 5 submitters: Benign (4); Likely benign (1). Last evaluated 2026-02-03.

Conditions:
Primary ciliary dyskinesia 33. Also called: CILIARY DYSKINESIA, PRIMARY, 33, WITHOUT SITUS INVERSUS. Identifiers: Orphanet 244, MedGen C4225230, MONDO:0014750, OMIM 616726.

Allele frequency attached by ClinVar (database versions not stated): TOPMed 0.04053; ESP Exome Variant Server 0.04355; 1000 Genomes Project 30x 0.04497; 1000 Genomes Project 0.04792; gnomAD exomes 0.05225 and 0.05817; ExAC 0.05389; gnomAD 0.05624.
gnomAD v4.1: 91,947 of 1,611,484 alleles (5.7%); highest among the groups gnomAD compares: East Asian, 7.9%; 3,097 homozygotes.

Submissions (5):

Labcorp Genetics (formerly Invitae), Labcorp
Classification: Benign for Primary ciliary dyskinesia 33. Last evaluated: 2026-02-03. Review status: criteria provided, single submitter. Criteria: Invitae Variant Classification Sherloc (09022015). Collection method: clinical testing. Allele origin: germline.

Blueprint Genetics
Classification: Likely benign. Last evaluated: 2024-11-27. Review status: criteria provided, single submitter. Criteria: ACMG Guidelines, 2015. Collection method: clinical testing. Allele origin: germline.

GeneDx
Classification: Benign. Last evaluated: 2018-11-11. Review status: criteria provided, single submitter. Criteria: GeneDx Variant Classification Process June 2021. Collection method: clinical testing. Allele origin: germline. Affected: yes.

Laboratory for Molecular Medicine, Mass General Brigham Personalized Medicine
Classification: Benign. Last evaluated: 2016-03-28. Review status: criteria provided, single submitter. Criteria: LMM Criteria. Collection method: clinical testing. Allele origin: germline.
Comment: Variant identified in a genome or exome case(s) and assessed due to predicted null impact of the variant or pathogenic assertions in the literature or databases. Disclaimer: This variant has not undergone full assessment. The following are preliminary notes: Frequency

Breakthrough Genomics
Classification: Benign. Review status: criteria provided, single submitter. Criteria: ACMG Guidelines, 2015. Collection method: not provided. Allele origin: germline. Inheritance: Autosomal recessive inheritance. Affected: yes.

NM_001481.3(DRC4):c.776G>A (p.Arg259Gln)

Gene: DRC4 (dynein regulatory complex subunit 4; plus strand). Cytogenetic location: 16q24.3.
Variant type: single nucleotide variant.
Coding change: c.776G>A on transcript NM_001481.3 (MANE Select); coding-DNA position 776, G replaced by A.
Protein change: p.Arg259Gln; replaces arginine 259 with glutamine.
Molecular consequence: missense variant.
Genome position (GRCh38, 1-based): chr16:90,037,251, G>A. VCF-style: chr16-90037251-G-A. GRCh37 (hg19) VCF-style: chr16-90103659-G-A.
Other names: c.527G>A, p.Arg176Gln (NM_001286205.2); c.200G>A, p.Arg67Gln (NM_001286208.2); c.701G>A, p.Arg234Gln (NM_001286209.2); short protein forms R234Q, R259Q, R176Q, R67Q.
Identifiers: ClinVar variation 402892 (VCV000402892.17), dbSNP rs17178299, ClinGen allele CA8257980.